The following is an entry in ClinVar:

NM_006231.4(POLE):c.2087C>G (p.Pro696Arg)

Gene: POLE (DNA polymerase epsilon, catalytic subunit; minus strand). Cytogenetic location: 12q24.33.
Variant type: single nucleotide variant.
Coding change: c.2087C>G on transcript NM_006231.4 (MANE Select); coding-DNA position 2087, C replaced by G.
Protein change: p.Pro696Arg; replaces proline 696 with arginine.
Molecular consequence: missense variant.
Genome position (GRCh38, 1-based): chr12:132,668,442, G>C on the plus strand (C>G on the coding strand, the complement: POLE is on the minus strand). VCF-style: chr12-132668442-G-C. GRCh37 (hg19) VCF-style: chr12-133245028-G-C.
Other names: short protein forms P696R.
Identifiers: ClinVar variation 4841506 (VCV004841506.1).
Genomic context (GRCh38, chr12:132,668,442, plus strand): 5'-GCCTGTTCCTCGCGGGACAGTTCATGAAAGGCCCGAGCTGGCCCCTCTGGGAACAAGGGG[G>C]GGAACTTCTCTGACTCCAGCTGGTGCTGGATCCGATGGTATTCGCTGCGACTGGCTGGCA-3'
Protein context (NP_006222.2, residues 686-706): IQHQLESEKF[Pro696Arg]PLFPEGPARA

ClinVar aggregate classification (germline): Uncertain significance (1 of 4 stars; one submission).

Conditions:
Hereditary cancer-predisposing syndrome. Also called: Neoplastic Syndromes, Hereditary; Tumor predisposition; Hereditary Cancer Syndrome; Hereditary neoplastic syndrome. Identifiers: Orphanet 140162, MedGen C0027672, MeSH D009386, MONDO:0015356.

Submission:

Ambry Genetics
Classification: Uncertain significance for Hereditary cancer-predisposing syndrome. Last evaluated: 2026-01-06. Review status: criteria provided, single submitter. Criteria: Ambry Variant Classification Scheme 2023. Collection method: clinical testing. Allele origin: germline.
Comment: The p.P696R variant (also known as c.2087C>G), located in coding exon 19 of the POLE gene, results from a C to G substitution at nucleotide position 2087. The proline at codon 696 is replaced by arginine, an amino acid with dissimilar properties. This amino acid position is highly conserved in available vertebrate species. In addition, the in silico prediction for this alteration is inconclusive. Based on the available evidence, the clinical significance of this variant remains unclear.